The following is an entry in ClinVar:

ClinVar aggregate classification (germline): Uncertain significance (1 of 4 stars; one submission).

Submission:

CeGaT Center for Human Genetics Tuebingen
Classification: Uncertain significance. Last evaluated: 2025-11-01. Review status: criteria provided, single submitter. Criteria: CeGaT Center For Human Genetics Tuebingen Variant Classification Criteria Version 2. Collection method: clinical testing. Allele origin: germline. Affected: yes. Observed: 1 variant allele.
Comment: KDM1A: PM2

NM_001009999.3(KDM1A):c.2445+16dup

Gene: KDM1A (lysine demethylase 1A; plus strand). Cytogenetic location: 1p36.12.
Variant type: Duplication.
Coding change: c.2445+16dup on transcript NM_001009999.3 (MANE Select); 16 bases into the intron after coding-DNA position 2445, one base duplicated (A; older notation c.2445+16dupA).
Molecular consequence: intron variant.
Genome position (GRCh38, 1-based): chr1:23,082,382, A duplicated; the last of 3 consecutive A bases (chr1:23,082,380-23,082,382); duplicating any one gives the same sequence. VCF-style (leftmost placement, unchanged base first): chr1-23082379-C-CA. GRCh37 (hg19) VCF-style: chr1-23408872-C-CA.
Other names: c.2451+16dup (NM_001410762.1); c.2391+16dup (NM_001363654.2); c.2373+16dup (NM_001410763.1, NM_015013.4).
Identifiers: ClinVar variation 4535147 (VCV004535147.6).
Genomic context (GRCh38, chr1:23,082,379, plus strand): 5'-ATGGCTCAGCCAATCACTCCTGGCCCCTCGATTCCAGGTGCCCCACAGGTGAGAAGCTGG[C>CA]AAACTATCTGGGCTTATTTGGGAAGAGGCCAGGATCTCATGATGTCCCTGATTTTTTTTT-3'